The following is an entry in ClinVar:

NM_000545.8(HNF1A):c.494G>A (p.Trp165Ter)

Gene: HNF1A (HNF1 homeobox A; plus strand). Cytogenetic location: 12q24.31.
Variant type: single nucleotide variant.
Coding change: c.494G>A on transcript NM_000545.8 (MANE Select); coding-DNA position 494, G replaced by A.
Protein change: p.Trp165Ter; replaces tryptophan 165 with a stop codon.
Molecular consequence: nonsense.
Genome position (GRCh38, 1-based): chr12:120,989,000, G>A. VCF-style: chr12-120989000-G-A. GRCh37 (hg19) VCF-style: chr12-121426803-G-A.
Other names: NM_000545.8(HNF1A):c.494G>A; p.Trp165Ter; c.494G>A, p.Trp165Ter (NM_001306179.2); c.494G>A (NM_000545.6); short protein forms W165*.
Identifiers: ClinVar variation 447491 (VCV000447491.4), dbSNP rs1555211436, ClinGen allele CA386960529.

ClinVar aggregate classification (germline): Pathogenic. Review status: reviewed by expert panel (3 of 4 stars). 4 submissions from 4 submitters: Pathogenic (1). 3 of the submissions do not count toward it. Last evaluated 2022-06-10.

Conditions:
HNF1A-related disorder. Also called: HNF1A-related condition.
Monogenic diabetes. Identifiers: Orphanet 183625, MedGen C3888631, MONDO:0015967.
Maturity-onset diabetes of the young (MODY). Also called: Maturity onset diabetes mellitus in young. Identifiers: Orphanet 552, MedGen C0342276, MONDO:0018911, HP:0004904.

Submissions (4):

ClinGen Monogenic Diabetes Variant Curation Expert Panel
Classification: Pathogenic for Monogenic diabetes. Last evaluated: 2022-06-10. Review status: reviewed by expert panel. Criteria: ClinGen Diabetes ACMG Specifications v1 1. Collection method: curation. Allele origin: germline. Inheritance: Autosomal dominant inheritance.
Comment: The c.494G>A variant in the HNF1 homeobox A gene, HNF1A, results in a premature termination at codon 165 (p.(Trp165Ter)) of NM_000545.8. This variant, located in biologically-relevant exon 2 of 10, is predicted to lead to nonsense mediated decay in a gene in which loss-of-function is an established disease mechanism (PVS1; PMID: 23348805). This variant is absent from gnomAD v2.1.1 (PM2_Supporting). Furthermore, this variant segregated with diabetes, with three informative meioses, in one family with MODY (PP1_Moderate; internal lab contributors). This variant was identified in an individual with a clinical history suggestive of HNF1A-MODY (MODY probability estimated between 39-59% based on available clinical information, sulfonylurea-sensitive, and negative genetic testing for HNF4A) (PP4; internal lab contributors). In summary, c.494G>A meets the criteria to be classified as pathogenic for monogenic diabetes. ACMG/AMP criteria applied, as specified by the ClinGen MDEP (specification version 1.1, approved 9/30/21): PVS1, PM2_Supporting, PP1_Moderate, PP4.

PreventionGenetics, part of Exact Sciences
Classification: Pathogenic for HNF1A-related condition. Last evaluated: 2026-07-14. Review status: criteria provided, single submitter. Criteria: ACMG Guidelines, 2015. Collection method: clinical testing. Allele origin: germline. Not counted in ClinVar's aggregate classification.
Comment: The HNF1A c.494G>A variant is predicted to result in premature protein termination (p.Trp165*). This variant has been reported in multiple individuals with maturity-onset diabetes of the young (Table S3, Mirshahi et al. 2022. PubMed ID: 36257325). This variant has not been reported in a large population database (gnomAD), indicating this variant is rare. Nonsense variants in HNF1A are expected to be pathogenic. This variant is interpreted as pathogenic.

Athena Diagnostics
Classification: Likely pathogenic. Last evaluated: 2017-04-17. Review status: criteria provided, single submitter. Criteria: Athena Diagnostics Criteria. Collection method: clinical testing. Allele origin: germline. Not counted in ClinVar's aggregate classification.

Clinical Genomics, Uppaluri K&H Personalized Medicine Clinic
Classification: Pathogenic for Maturity-onset diabetes of the young. Review status: criteria provided, single submitter. Criteria: K & H Uppaluri Personalized Medicine Clinic Variant Classification & Assertion Criteria_Updated V.1. Collection method: research. Allele origin: unknown. Inheritance: Autosomal dominant inheritance. Not counted in ClinVar's aggregate classification.
Comment: Mutations in HNF1A gene can predispose to MODY3. It is associated with both micro and macrovascular complications of diabetes, especially cardiovascular complications. Associated with glucosuria. May respond well to sulfonylureas. However, more evidence is required to confer the association of this particular variant rs1555211436 with MODY3.

Literature cited by the submitters: PubMed 15649945 (cited by Athena Diagnostics); PubMed 12355088 (cited by Athena Diagnostics); PubMed 20393147 (cited by Athena Diagnostics); PubMed 31517624 (cited by Clinical Genomics, Uppaluri K&H Personalized Medicine Clinic); PubMed 32395877 (cited by Clinical Genomics, Uppaluri K&H Personalized Medicine Clinic); PubMed 35328643 (cited by Clinical Genomics, Uppaluri K&H Personalized Medicine Clinic); PubMed 35673428 (cited by Clinical Genomics, Uppaluri K&H Personalized Medicine Clinic).